The following is an entry in ClinVar:

ClinVar aggregate classification (germline): Uncertain significance. Review status: criteria provided, multiple submitters, no conflicts (2 of 4 stars). 5 submissions from 5 submitters: Uncertain significance (5). Last evaluated 2025-04-14.

Conditions:
Hereditary cancer-predisposing syndrome. Also called: Tumor predisposition; Hereditary Cancer Syndrome; Hereditary neoplastic syndrome; Neoplastic Syndromes, Hereditary. Identifiers: Orphanet 140162, MedGen C0027672, MeSH D009386, MONDO:0015356.
Hereditary breast ovarian cancer syndrome. Also called: Breast and ovarian cancer; Hereditary breast and/or ovarian cancer syndrome; BRCA1- and BRCA2-Associated Hereditary Breast and Ovarian Cancer; Hereditary breast and ovarian cancer syndrome; Hereditary breast and ovarian cancer syndrome (HBOC); Hereditary breast and ovarian cancer. Identifiers: Orphanet 145, MedGen C0677776, MeSH D061325, MONDO:0003582. Disease mechanism: loss of function.
Breast-ovarian cancer, familial, susceptibility to, 1 (BROVCA1). Also called: BRCA1 Hereditary Breast and Ovarian Cancer; OVARIAN CANCER, SUSCEPTIBILITY TO. Identifiers: Orphanet 145, MedGen C2676676, MONDO:0011450, OMIM 604370. Disease mechanism: loss of function.

Submissions (5):

Quest Diagnostics Nichols Institute San Juan Capistrano
Classification: Uncertain significance. Last evaluated: 2025-04-14. Review status: criteria provided, single submitter. Criteria: Quest Diagnostics criteria. Collection method: clinical testing. Allele origin: unknown.
Comment: The BRCA1 c.4591G>A (p.Val1531Ile) variant has been reported in the published literature in an individual with hereditary cancer (PMID: 31853058 (2020)). This variant has not been reported in large, multi-ethnic general populations (Genome Aggregation Database). Analysis of this variant using bioinformatics tools for the prediction of the effect of amino acid changes on protein structure and function yielded predictions that this variant is benign. Based on the available information, we are unable to determine the clinical significance of this variant.

Color Diagnostics, LLC DBA Color Health
Classification: Uncertain significance for Hereditary cancer-predisposing syndrome. Last evaluated: 2025-02-10. Review status: criteria provided, single submitter. Criteria: ACMG Guidelines, 2015. Collection method: clinical testing. Allele origin: germline.
Comment: This missense variant replaces valine with isoleucine at codon 1531 of the BRCA1 protein. Computational prediction is inconclusive regarding the impact of this variant on protein structure and function. To our knowledge, functional studies have not been reported for this variant. A multifactorial analysis has reported a likelihood ratio for pathogenicity based on personal and family history of 0.195 from log(LR)=-0.708925605 for one carrier (PMID: 31853058). This variant has not been identified in the general population by the Genome Aggregation Database (gnomAD). The available evidence is insufficient to determine the role of this variant in disease conclusively. Therefore, this variant is classified as a Variant of Uncertain Significance.

Ambry Genetics
Classification: Uncertain significance for Hereditary cancer-predisposing syndrome. Last evaluated: 2025-01-03. Review status: criteria provided, single submitter. Criteria: Ambry Variant Classification Scheme 2023. Collection method: clinical testing. Allele origin: germline.
Comment: The p.V1531I variant (also known as c.4591G>A), located in coding exon 13 of the BRCA1 gene, results from a G to A substitution at nucleotide position 4591. The valine at codon 1531 is replaced by isoleucine, an amino acid with highly similar properties. This variant was not reported in population based cohorts in the following databases: Database of Single Nucleotide Polymorphisms (dbSNP), NHLBI Exome Sequencing Project (ESP), and 1000 Genomes Project. In the ESP, this variant was not observed in 6503 samples (13006 alleles) with coverage at this position. To date, this alteration has been detected with an allele frequency of approximately 0.0003% (greater than 300000 alleles tested) in our clinical cohort. This amino acid position is not well conserved in available vertebrate species. In addition, this alteration is predicted to be tolerated by in silico analysis. Since supporting evidence is limited at this time, the clinical significance of this alteration remains unclear.

All of Us Research Program, National Institutes of Health
Classification: Uncertain significance for Breast-ovarian cancer, familial, susceptibility to, 1. Last evaluated: 2023-02-24. Review status: criteria provided, single submitter. Criteria: ACMG Guidelines, 2015. Collection method: clinical testing. Allele origin: germline. Inheritance: Autosomal dominant inheritance. Observed: 1 variant allele, 1 heterozygote.
Comment: This missense variant replaces valine with isoleucine at codon 1531 of the BRCA1 protein. Computational prediction is inconclusive regarding the impact of this variant on protein structure and function (internally defined REVEL score threshold 0.5 < inconclusive < 0.7, PMID: 27666373). To our knowledge, functional studies have not been reported for this variant. This variant has not been reported in individuals affected with BRCA1-related disorders in the literature. This variant has not been identified in the general population by the Genome Aggregation Database (gnomAD). The available evidence is insufficient to determine the role of this variant in disease conclusively. Therefore, this variant is classified as a Variant of Uncertain Significance.

This study involves interpretation of variants in research participants for the purpose of population health screening. Participant phenotype was not available at the time of variant classification. Additional details can be found in publication PMID: 35346344, PMCID: PMC8962531

Labcorp Genetics (formerly Invitae), Labcorp
Classification: Uncertain significance for Hereditary breast ovarian cancer syndrome. Last evaluated: 2022-07-15. Review status: criteria provided, single submitter. Criteria: Invitae Variant Classification Sherloc (09022015). Collection method: clinical testing. Allele origin: germline.
Comment: This sequence change replaces valine, which is neutral and non-polar, with isoleucine, which is neutral and non-polar, at codon 1531 of the BRCA1 protein (p.Val1531Ile). In summary, the available evidence is currently insufficient to determine the role of this variant in disease. Therefore, it has been classified as a Variant of Uncertain Significance. Advanced modeling of protein sequence and biophysical properties (such as structural, functional, and spatial information, amino acid conservation, physicochemical variation, residue mobility, and thermodynamic stability) performed at Invitae indicates that this missense variant is not expected to disrupt BRCA1 protein function. ClinVar contains an entry for this variant (Variation ID: 485392). This variant has not been reported in the literature in individuals affected with BRCA1-related conditions. This variant is not present in population databases (gnomAD no frequency).

Literature cited by the submitters: PubMed 31853058 (cited by Quest Diagnostics Nichols Institute San Juan Capistrano and Color Diagnostics, LLC DBA Color Health).

NM_007294.4(BRCA1):c.4591G>A (p.Val1531Ile)

Gene: BRCA1 (BRCA1 DNA repair associated; minus strand). Cytogenetic location: 17q21.31.
Variant type: single nucleotide variant.
Coding change: c.4591G>A on transcript NM_007294.4 (MANE Select); coding-DNA position 4591, G replaced by A.
Protein change: p.Val1531Ile; replaces valine 1531 with isoleucine.
Molecular consequence: missense variant. On other transcripts: non-coding transcript variant (1).
Genome position (GRCh38, 1-based): chr17:43,074,415, C>T on the plus strand (G>A on the coding strand, the complement: BRCA1 is on the minus strand). VCF-style: chr17-43074415-C-T. GRCh37 (hg19) VCF-style: chr17-41226432-C-T.
Other names: c.4378G>A, p.Val1460Ile (NM_001407571.1, NM_001407894.1, NM_001407895.1 and 12 more transcripts); c.4657G>A, p.Val1553Ile (NM_001407581.1, NM_001407582.1); c.4654G>A, p.Val1552Ile (NM_001407583.1, NM_001407585.1, NM_001407587.1 and 1 more transcripts); c.4651G>A, p.Val1551Ile (NM_001407590.1, NM_001407591.1); c.4591G>A, p.Val1531Ile (NM_001407593.1, NM_001407594.1, NM_001407596.1 and 8 more transcripts); c.4588G>A, p.Val1530Ile (NM_001407617.1, NM_001407618.1, NM_001407619.1 and 17 more transcripts); c.4585G>A, p.Val1529Ile (NM_001407636.1, NM_001407637.1, NM_001407638.1 and 14 more transcripts); c.4582G>A, p.Val1528Ile (NM_001407644.1, NM_001407645.1); and 68 more; short protein forms V1531I, V1484I, V427I, V1552I, V1234I, V1362I, V1402I, V1419I.
Identifiers: ClinVar variation 485392 (VCV000485392.21), dbSNP rs1555581897, ClinGen allele CA10592332.